The following is an entry in ClinVar:

ClinVar aggregate classification (germline): Uncertain significance (1 of 4 stars; one submission).

Conditions:
Pitt-Hopkins-like syndrome 2 (PTHSL2). Identifiers: Orphanet 221150, Orphanet 600663, MedGen C3280479, MONDO:0013690, OMIM 614325.

Allele frequency attached by ClinVar (database versions not stated): gnomAD 0.00001; TOPMed 0.00001; ESP Exome Variant Server 0.00010.
gnomAD v4.1: 2 of 1,600,206 alleles (0.00012%); highest among the groups gnomAD compares: Non-Finnish European, 0.000085%; no homozygotes.

Submission:

Labcorp Genetics (formerly Invitae), Labcorp
Classification: Uncertain significance for Pitt-Hopkins-like syndrome 2. Last evaluated: 2025-08-22. Review status: criteria provided, single submitter. Criteria: Invitae Variant Classification Sherloc (09022015). Collection method: clinical testing. Allele origin: germline.
Comment: This sequence change replaces glycine, which is neutral and non-polar, with aspartic acid, which is acidic and polar, at codon 262 of the NRXN1 protein (p.Gly262Asp). This variant is not present in population databases (gnomAD no frequency). This variant has not been reported in the literature in individuals affected with NRXN1-related conditions. ClinVar contains an entry for this variant (Variation ID: 472652). Invitae Evidence Modeling of protein sequence and biophysical properties (such as structural, functional, and spatial information, amino acid conservation, physicochemical variation, residue mobility, and thermodynamic stability) indicates that this missense variant is not expected to disrupt NRXN1 protein function with a negative predictive value of 80%. In summary, the available evidence is currently insufficient to determine the role of this variant in disease. Therefore, it has been classified as a Variant of Uncertain Significance.

NM_001330078.2(NRXN1):c.772+1045G>A

Gene: NRXN1 (neurexin 1; minus strand). Cytogenetic location: 2p16.3.
Variant type: single nucleotide variant.
Coding change: c.772+1045G>A on transcript NM_001330078.2 (MANE Select); 1045 bases into the intron after coding-DNA position 772, G replaced by A.
Molecular consequence: intron variant. On other transcripts: missense variant (1).
Genome position (GRCh38, 1-based): chr2:51,026,457, C>T on the plus strand (G>A on the coding strand, the complement: NRXN1 is on the minus strand). VCF-style: chr2-51026457-C-T. GRCh37 (hg19) VCF-style: chr2-51253595-C-T.
Other names: c.785G>A, p.Gly262Asp (NM_001135659.3); c.772+1045G>A (NM_001330096.2, NM_001330087.2, NM_001330083.2 and 14 more transcripts); short protein forms G262D.
Identifiers: ClinVar variation 472652 (VCV000472652.8), dbSNP rs372181288, ClinGen allele CA48054736.